The following is an entry in ClinVar:

ClinVar aggregate classification (germline): Uncertain significance. Review status: criteria provided, multiple submitters, no conflicts (2 of 4 stars). 2 submissions from 2 submitters: Uncertain significance (2). Last evaluated 2024-12-04.

Allele frequency attached by ClinVar (database versions not stated): gnomAD exomes 0.00001 and 0.00003; ExAC 0.00003; TOPMed 0.00003; gnomAD 0.00004 and 0.00005; ESP Exome Variant Server 0.00008.
gnomAD v4.1: 23 of 1,613,032 alleles (0.0014%); highest among the groups gnomAD compares: African/African-American, 0.004%; no homozygotes.

Submissions (2):

Labcorp Genetics (formerly Invitae), Labcorp
Classification: Uncertain significance. Last evaluated: 2024-12-04. Review status: criteria provided, single submitter. Criteria: Invitae Variant Classification Sherloc (09022015). Collection method: clinical testing. Allele origin: germline.
Comment: This sequence change replaces arginine, which is basic and polar, with cysteine, which is neutral and slightly polar, at codon 117 of the SLC25A32 protein (p.Arg117Cys). This variant is present in population databases (rs150561916, gnomAD 0.006%). This variant has not been reported in the literature in individuals affected with SLC25A32-related conditions. ClinVar contains an entry for this variant (Variation ID: 1354868). Invitae Evidence Modeling of protein sequence and biophysical properties (such as structural, functional, and spatial information, amino acid conservation, physicochemical variation, residue mobility, and thermodynamic stability) indicates that this missense variant is not expected to disrupt SLC25A32 protein function with a negative predictive value of 80%. In summary, the available evidence is currently insufficient to determine the role of this variant in disease. Therefore, it has been classified as a Variant of Uncertain Significance.

Ambry Genetics
Classification: Uncertain significance. Last evaluated: 2024-11-26. Review status: criteria provided, single submitter. Criteria: Ambry Variant Classification Scheme 2023. Collection method: clinical testing. Allele origin: germline.

NM_030780.5(SLC25A32):c.349C>T (p.Arg117Cys)

Gene: SLC25A32 (solute carrier family 25 member 32; minus strand). Cytogenetic location: 8q22.3.
Variant type: single nucleotide variant.
Coding change: c.349C>T on transcript NM_030780.5 (MANE Select); coding-DNA position 349, C replaced by T.
Protein change: p.Arg117Cys; replaces arginine 117 with cysteine.
Molecular consequence: missense variant. On other transcripts: non-coding transcript variant (1).
Genome position (GRCh38, 1-based): chr8:103,404,818, G>A on the plus strand (C>T on the coding strand, the complement: SLC25A32 is on the minus strand). VCF-style: chr8-103404818-G-A. GRCh37 (hg19) VCF-style: chr8-104417046-G-A.
Other names: c.349C>T (NM_030780.3); short protein forms R117C.
Identifiers: ClinVar variation 1354868 (VCV001354868.9), dbSNP rs150561916, ClinGen allele CA4835505.